The following is an entry in ClinVar:

ClinVar aggregate classification (germline): Pathogenic (1 of 4 stars; one submission).

Conditions:
Marfan syndrome (MFS). Also called: Marfan syndrome type 1; Marfan's syndrome; FBN1-Related Marfan Syndrome; MARFAN SYNDROME, TYPE I; Marfan syndrome, classic. Identifiers: Orphanet 284963, Orphanet 558, MedGen C0024796, MONDO:0007947, OMIM 154700.
Familial thoracic aortic aneurysm and aortic dissection (TAAD). Also called: Thoracic aortic aneurysms and dissections. Identifiers: Orphanet 91387, MedGen C4707243, MONDO:0019625.

Submission:

Labcorp Genetics (formerly Invitae), Labcorp
Classification: Pathogenic for Marfan syndrome; Familial thoracic aortic aneurysm and aortic dissection. Last evaluated: 2021-06-01. Review status: criteria provided, single submitter. Criteria: Invitae Variant Classification Sherloc (09022015). Collection method: clinical testing. Allele origin: germline.
Comment: Advanced modeling of protein sequence and biophysical properties (such as structural, functional, and spatial information, amino acid conservation, physicochemical variation, residue mobility, and thermodynamic stability) performed at Invitae indicates that this missense variant is expected to disrupt FBN1 protein function. This variant disrupts the p.Cys617 amino acid residue in FBN1. Other variant(s) that disrupt this residue have been observed in individuals with FBN1-related conditions (PMID: 21542060, 27906200, 29357934), which suggests that this may be a clinically significant amino acid residue. For these reasons, this variant has been classified as Pathogenic. This variant affects a cysteine residue in the EGF-like, TGFBP or hybrid motif domains of FBN1. Cysteine residues are believed to be involved in intramolecular disulfide bridges and have been shown to be important for FBN1 protein structure (PMID: 16905551, 19349279). In addition, missense substitutions affecting cysteine residues within these domains are significantly overrepresented among patients with Marfan syndrome (PMID: 16571647, 17701892). This variant has not been reported in the literature in individuals with FBN1-related conditions. This variant is not present in population databases (ExAC no frequency). This sequence change replaces cysteine with serine at codon 617 of the FBN1 protein (p.Cys617Ser). The cysteine residue is highly conserved and there is a moderate physicochemical difference between cysteine and serine.

Literature cited by the submitters: PubMed 21542060; PubMed 27906200; PubMed 29357934; PubMed 16905551; PubMed 19349279; PubMed 16571647; PubMed 17701892.

NM_000138.5(FBN1):c.1850G>C (p.Cys617Ser)

Gene: FBN1 (fibrillin 1; minus strand). Cytogenetic location: 15q21.1.
Variant type: single nucleotide variant.
Coding change: c.1850G>C on transcript NM_000138.5 (MANE Select); coding-DNA position 1850, G replaced by C.
Protein change: p.Cys617Ser; replaces cysteine 617 with serine.
Molecular consequence: missense variant.
Genome position (GRCh38, 1-based): chr15:48,505,135, C>G on the plus strand (G>C on the coding strand, the complement: FBN1 is on the minus strand). VCF-style: chr15-48505135-C-G. GRCh37 (hg19) VCF-style: chr15-48797332-C-G.
Other names: short protein forms C617S.
Identifiers: ClinVar variation 1401186 (VCV001401186.8), dbSNP rs1555399836, ClinGen allele CA392339185.